The following is an entry in ClinVar:

ClinVar aggregate classification (germline): Uncertain significance (1 of 4 stars; one submission).

Conditions:
Cardiovascular phenotype. Identifiers: MedGen CN230736.

Submission:

Ambry Genetics
Classification: Uncertain significance for Cardiovascular phenotype. Last evaluated: 2025-10-17. Review status: criteria provided, single submitter. Criteria: Ambry Variant Classification Scheme 2023. Collection method: clinical testing. Allele origin: germline.
Comment: The p.G1620R variant (also known as c.4858G>C), located in coding exon 32 of the MYH7 gene, results from a G to C substitution at nucleotide position 4858. The glycine at codon 1620 is replaced by arginine, an amino acid with dissimilar properties. This amino acid position is highly conserved in available vertebrate species. In addition, this alteration is predicted to be deleterious by in silico analysis. Based on the available evidence, the clinical significance of this variant remains unclear.

NM_000257.4(MYH7):c.4858G>C (p.Gly1620Arg)

Genes: MHRT (myosin heavy chain associated RNA transcript; plus strand), MYH7 (myosin heavy chain 7; minus strand), LOC126861897 (BRD4-independent group 4 enhancer GRCh37_chr14:23884455-23885654; plus strand). Cytogenetic location: 14q11.2.
Variant type: single nucleotide variant.
Coding change: c.4858G>C on transcript NM_000257.4 (MANE Select); coding-DNA position 4858, G replaced by C.
Protein change: p.Gly1620Arg; replaces glycine 1620 with arginine.
Molecular consequence: missense variant. On other transcripts: non-coding transcript variant (1).
Genome position (GRCh38, 1-based): chr14:23,416,099, C>G on the plus strand (G>C on the coding strand, the complement: MYH7 is on the minus strand). VCF-style: chr14-23416099-C-G. GRCh37 (hg19) VCF-style: chr14-23885308-C-G.
Other names: c.4858G>C, p.Gly1620Arg (NM_001407004.1); short protein forms G1620R.
Identifiers: ClinVar variation 4614643 (VCV004614643.1).